The following is an entry in ClinVar:

ClinVar aggregate classification (germline): Uncertain significance (1 of 4 stars; one submission).

Submission:

Labcorp Genetics (formerly Invitae), Labcorp
Classification: Uncertain significance. Last evaluated: 2022-03-04. Review status: criteria provided, single submitter. Criteria: Invitae Variant Classification Sherloc (09022015). Collection method: clinical testing. Allele origin: germline.
Comment: This variant is not present in population databases (gnomAD no frequency). In summary, the available evidence is currently insufficient to determine the role of this variant in disease. Therefore, it has been classified as a Variant of Uncertain Significance. Algorithms developed to predict the effect of sequence changes on RNA splicing suggest that this variant may disrupt the consensus splice site. Algorithms developed to predict the effect of missense changes on protein structure and function (SIFT, PolyPhen-2, Align-GVGD) all suggest that this variant is likely to be tolerated. This variant has not been reported in the literature in individuals affected with OTOG-related conditions. This sequence change replaces glutamine, which is neutral and polar, with arginine, which is basic and polar, at codon 84 of the OTOG protein (p.Gln84Arg).

NM_001292063.2(OTOG):c.215A>G (p.Gln72Arg)

Gene: OTOG (otogelin; plus strand). Cytogenetic location: 11p15.1.
Variant type: single nucleotide variant.
Coding change: c.215A>G on transcript NM_001292063.2 (MANE Select); coding-DNA position 215, A replaced by G.
Protein change: p.Gln72Arg; replaces glutamine 72 with arginine.
Molecular consequence: missense variant.
Genome position (GRCh38, 1-based): chr11:17,548,211, A>G. VCF-style: chr11-17548211-A-G. GRCh37 (hg19) VCF-style: chr11-17569758-A-G.
Other names: c.251A>G, p.Gln84Arg (NM_001277269.2); short protein forms Q72R, Q84R.
Identifiers: ClinVar variation 2104257 (VCV002104257.4), dbSNP rs2497353865, ClinGen allele CA379808029.